The following is an entry in ClinVar:

NM_002691.4(POLD1):c.2821-3C>T

Gene: POLD1 (DNA polymerase delta 1, catalytic subunit; plus strand). Cytogenetic location: 19q13.33.
Variant type: single nucleotide variant.
Coding change: c.2821-3C>T on transcript NM_002691.4 (MANE Select); 3 bases into the intron before coding-DNA position 2821, C replaced by T.
Molecular consequence: intron variant.
Genome position (GRCh38, 1-based): chr19:50,416,393, C>T. VCF-style: chr19-50416393-C-T. GRCh37 (hg19) VCF-style: chr19-50919650-C-T.
Other names: c.2821-3C>T (NM_001256849.1); c.2899-3C>T (NM_001308632.1).
Identifiers: ClinVar variation 1486012 (VCV001486012.6), dbSNP rs2122489769, ClinGen allele CA2573156752.
Genomic context (GRCh38, chr19:50,416,393, plus strand): 5'-ACCCCGTGTCCACCCCGGTGCCCTTTCCCTGGCTGCCCGGGTGTGACTGCCATGTGGCCG[C>T]AGGACCCGCTGTTCGTGCTGGAGCACAGCCTGCCCATTGACACGCAGTACTACCTGGAGC-3'

ClinVar aggregate classification (germline): Uncertain significance (1 of 4 stars; one submission).

Conditions:
POLD1-related polyposis and colorectal cancer syndrome (CRCS10). Also called: Colorectal cancer 10; COLORECTAL CANCER, SUSCEPTIBILITY TO, ON CHROMOSOME 19q; Colorectal cancer, susceptibility to, 10. Identifiers: Orphanet 220460, MedGen C2675481, MONDO:0012953, OMIM 612591.

Allele frequency attached by ClinVar (database versions not stated): gnomAD exomes below 0.00001.
gnomAD v4.1: 1 of 1,548,712 alleles (0.000065%); highest among the groups gnomAD compares: Non-Finnish European, 0.000087%; no homozygotes.

Submission:

Labcorp Genetics (formerly Invitae), Labcorp
Classification: Uncertain significance for POLD1-related polyposis and colorectal cancer syndrome. Last evaluated: 2021-07-03. Review status: criteria provided, single submitter. Criteria: Invitae Variant Classification Sherloc (09022015). Collection method: clinical testing. Allele origin: germline.
Comment: This sequence change falls in intron 22 of the POLD1 gene. It does not directly change the encoded amino acid sequence of the POLD1 protein. It affects a nucleotide within the consensus splice site of the intron. This variant is not present in population databases (ExAC no frequency). This variant has not been reported in the literature in individuals with POLD1-related conditions. Nucleotide substitutions within the consensus splice site are a relatively common cause of aberrant splicing (PMID: 17576681, 9536098). Algorithms developed to predict the effect of sequence changes on RNA splicing suggest that this variant may create or strengthen a splice site, but this prediction has not been confirmed by published transcriptional studies. In summary, the available evidence is currently insufficient to determine the role of this variant in disease. Therefore, it has been classified as a Variant of Uncertain Significance.

Literature cited by the submitters: PubMed 17576681; PubMed 9536098.